The following is an entry in ClinVar:

ClinVar aggregate classification (germline): Uncertain significance (1 of 4 stars; one submission).

Submission:

GeneDx
Classification: Uncertain significance. Last evaluated: 2023-06-12. Review status: criteria provided, single submitter. Criteria: GeneDx Variant Classification Process June 2021. Collection method: clinical testing. Allele origin: germline. Affected: yes.
Comment: Not observed at significant frequency in large population cohorts (gnomAD); In silico analysis supports that this missense variant does not alter protein structure/function; Has not been previously published as pathogenic or benign to our knowledge

NM_000551.4(VHL):c.440T>G (p.Ile147Ser)

Genes: VHL (von Hippel-Lindau tumor suppressor; plus strand), LOC107303340 (3p25 von Hippel-Lindau tumor suppressor, E3 ubiquitin protein ligase Alu-mediated recombination region; plus strand). Cytogenetic location: 3p25.3.
Variant type: single nucleotide variant.
Coding change: c.440T>G on transcript NM_000551.4 (MANE Select); coding-DNA position 440, T replaced by G.
Protein change: p.Ile147Ser; replaces isoleucine 147 with serine.
Molecular consequence: missense variant. On other transcripts: non-coding transcript variant (1), intron variant (2).
Genome position (GRCh38, 1-based): chr3:10,146,613, T>G. VCF-style: chr3-10146613-T-G. GRCh37 (hg19) VCF-style: chr3-10188297-T-G.
Other names: c.*18-3174T>G (NM_001354723.2); c.341-3174T>G (NM_198156.3); short protein forms I147S.
Identifiers: ClinVar variation 3359866 (VCV003359866.1).